The following is an entry in ClinVar:

ClinVar aggregate classification (germline): Benign/Likely benign. Review status: criteria provided, multiple submitters, no conflicts (2 of 4 stars). 4 submissions from 4 submitters: Benign (1); Likely benign (2). 1 of the submissions does not count toward it. Last evaluated 2026-01-27.

Conditions:
ANKRD11-related disorder. Also called: ANKRD11-related condition.
Inborn genetic diseases. Identifiers: MedGen C0950123, MeSH D030342.
KBG syndrome (KBGS). Also called: ANKRD11-Related KBG Syndrome. Identifiers: Orphanet 2332, MedGen C0220687, MONDO:0007846, OMIM 148050.

Allele frequency attached by ClinVar (database versions not stated): gnomAD exomes 0.00006 and 0.00012; ExAC 0.00012; 1000 Genomes Project 30x 0.00016; 1000 Genomes Project 0.00020; gnomAD 0.00033 and 0.00034; TOPMed 0.00036; ESP Exome Variant Server 0.00038.
gnomAD v4.1: 139 of 1,614,082 alleles (0.0086%); highest among the groups gnomAD compares: African/African-American, 0.12%; 2 homozygotes.

Submissions (4):

Labcorp Genetics (formerly Invitae), Labcorp
Classification: Likely benign for KBG syndrome. Last evaluated: 2026-01-27. Review status: criteria provided, single submitter. Criteria: Invitae Variant Classification Sherloc (09022015). Collection method: clinical testing. Allele origin: germline.

Blueprint Genetics
Classification: Benign. Last evaluated: 2024-10-24. Review status: criteria provided, single submitter. Criteria: ACMG Guidelines, 2015. Collection method: clinical testing. Allele origin: germline.

Ambry Genetics
Classification: Likely benign for Inborn genetic diseases. Last evaluated: 2018-02-28. Review status: criteria provided, single submitter. Criteria: Ambry Variant Classification Scheme 2023. Collection method: clinical testing. Allele origin: germline.

PreventionGenetics, part of Exact Sciences
Classification: Likely benign for ANKRD11-related condition. Last evaluated: 2019-04-18. Review status: no assertion criteria provided. Collection method: clinical testing. Allele origin: germline. Not counted in ClinVar's aggregate classification.
Comment: This variant is classified as likely benign based on ACMG/AMP sequence variant interpretation guidelines (Richards et al. 2015 PMID: 25741868, with internal and published modifications).

NM_013275.6(ANKRD11):c.1086C>T (p.Asp362=)

Gene: ANKRD11 (ankyrin repeat domain 11; minus strand). Cytogenetic location: 16q24.3.
Variant type: single nucleotide variant.
Coding change: c.1086C>T on transcript NM_013275.6 (MANE Select); coding-DNA position 1086, C replaced by T.
Protein change: p.Asp362=; no amino-acid change (aspartic acid 362 retained).
Molecular consequence: synonymous variant.
Genome position (GRCh38, 1-based): chr16:89,285,456, G>A on the plus strand (C>T on the coding strand, the complement: ANKRD11 is on the minus strand). VCF-style: chr16-89285456-G-A. GRCh37 (hg19) VCF-style: chr16-89351864-G-A.
Other names: c.1086C>T, p.Asp362= (NM_001256182.2, NM_001256183.2).
Identifiers: ClinVar variation 706920 (VCV000706920.13), dbSNP rs149888021, ClinGen allele CA8242860.
Genomic context (GRCh38, chr16:89,285,456, plus strand): 5'-AGAGATAAAACTATTGGATTTCGTTTCTTTTCTGTAGTCCTTTTTCAATAGGTGCTTGTC[G>A]TCCACCGGAGGAACCCTGTCCTGCTCGTCGTCCTCATCAAACTCATACTCGTCCTTGACG-3'
Protein context (NP_037407.4, residues 352-372): DDEQDRVPPV[Asp362=]DKHLLKKDYR